The following is an entry in ClinVar:

NM_014989.7(RIMS1):c.3431G>A (p.Arg1144Gln)

Gene: RIMS1 (regulating synaptic membrane exocytosis 1; plus strand). Cytogenetic location: 6q13.
Variant type: single nucleotide variant.
Coding change: c.3431G>A on transcript NM_014989.7 (MANE Select); coding-DNA position 3431, G replaced by A.
Protein change: p.Arg1144Gln; replaces arginine 1144 with glutamine.
Molecular consequence: missense variant. On other transcripts: intron variant (58).
Genome position (GRCh38, 1-based): chr6:72,274,381, G>A. VCF-style: chr6-72274381-G-A. GRCh37 (hg19) VCF-style: chr6-72984084-G-A.
Other names: c.1658G>A, p.Arg553Gln (NM_001350415.2, NM_001350445.2); c.1661G>A, p.Arg554Gln (NM_001350433.2); c.1595G>A, p.Arg532Gln (NM_001350435.2); c.1589G>A, p.Arg530Gln (NM_001350437.2); c.1559+8332G>A (NM_001350428.2, NM_001350459.2, NM_001350424.2 and 1 more transcripts); c.1556+8332G>A (NM_001350430.2, NM_001350421.2, NM_001350450.2); c.1706+8332G>A (NM_001350458.2); c.1628+8332G>A (NM_001350446.2, NM_001350442.2, NM_001350416.2 and 7 more transcripts); and 20 more; short protein forms R530Q, R1144Q, R532Q, R553Q, R554Q.
Identifiers: ClinVar variation 964180 (VCV000964180.9), dbSNP rs765007580, ClinGen allele CA3886245.

ClinVar aggregate classification (germline): Uncertain significance (1 of 4 stars; one submission).

Allele frequency attached by ClinVar (database versions not stated): ExAC 0.00001; gnomAD exomes 0.00003.
gnomAD v4.1: 11 of 1,612,832 alleles (0.00068%); highest among the groups gnomAD compares: Admixed American, 0.015%; no homozygotes.

Submission:

Labcorp Genetics (formerly Invitae), Labcorp
Classification: Uncertain significance. Last evaluated: 2022-11-08. Review status: criteria provided, single submitter. Criteria: Invitae Variant Classification Sherloc (09022015). Collection method: clinical testing. Allele origin: germline.
Comment: In summary, the available evidence is currently insufficient to determine the role of this variant in disease. Therefore, it has been classified as a Variant of Uncertain Significance. Algorithms developed to predict the effect of missense changes on protein structure and function are either unavailable or do not agree on the potential impact of this missense change (SIFT: "Deleterious"; PolyPhen-2: "Benign"; Align-GVGD: "Class C0"). ClinVar contains an entry for this variant (Variation ID: 964180). This variant has not been reported in the literature in individuals affected with RIMS1-related conditions. This variant is present in population databases (rs765007580, gnomAD 0.01%). This sequence change replaces arginine, which is basic and polar, with glutamine, which is neutral and polar, at codon 1144 of the RIMS1 protein (p.Arg1144Gln).